The following is an entry in ClinVar:

ClinVar aggregate classification (germline): Uncertain significance (1 of 4 stars; one submission).

Allele frequency attached by ClinVar (database versions not stated): ExAC 0.00001; gnomAD exomes 0.00001; TOPMed 0.00001.
gnomAD v4.1: 3 of 1,613,602 alleles (0.00019%); highest among the groups gnomAD compares: African/African-American, 0.0013%; no homozygotes.

Submission:

Labcorp Genetics (formerly Invitae), Labcorp
Classification: Uncertain significance. Last evaluated: 2022-03-31. Review status: criteria provided, single submitter. Criteria: Invitae Variant Classification Sherloc (09022015). Collection method: clinical testing. Allele origin: germline.
Comment: This sequence change replaces leucine, which is neutral and non-polar, with valine, which is neutral and non-polar, at codon 316 of the CEP63 protein (p.Leu316Val). This variant is present in population databases (rs749742427, gnomAD 0.007%). This variant has not been reported in the literature in individuals affected with CEP63-related conditions. Algorithms developed to predict the effect of missense changes on protein structure and function (SIFT, PolyPhen-2, Align-GVGD) all suggest that this variant is likely to be tolerated. In summary, the available evidence is currently insufficient to determine the role of this variant in disease. Therefore, it has been classified as a Variant of Uncertain Significance.

NM_001353108.3(CEP63):c.946C>G (p.Leu316Val)

Gene: CEP63 (centrosomal protein 63; plus strand). Cytogenetic location: 3q22.2.
Variant type: single nucleotide variant.
Coding change: c.946C>G on transcript NM_001353108.3 (MANE Select); coding-DNA position 946, C replaced by G.
Protein change: p.Leu316Val; replaces leucine 316 with valine.
Molecular consequence: missense variant. On other transcripts: non-coding transcript variant (1), intron variant (12).
Genome position (GRCh38, 1-based): chr3:134,547,351, C>G. VCF-style: chr3-134547351-C-G. GRCh37 (hg19) VCF-style: chr3-134266193-C-G.
Other names: c.946C>G, p.Leu316Val (NM_001042400.3, NM_001353110.1, NM_001353111.2 and 4 more transcripts); c.929+1063C>G (NM_001042384.2, NM_001353122.1, NM_001353109.1 and 6 more transcripts); c.956+1063C>G (NM_001353118.1); c.566+1063C>G (NM_001353126.2); c.845+1063C>G (NM_001353125.2); short protein forms L316V.
Identifiers: ClinVar variation 1969515 (VCV001969515.5), dbSNP rs749742427, ClinGen allele CA2628540.